The following is an entry in ClinVar:

ClinVar aggregate classification (germline): Uncertain significance (1 of 4 stars; one submission).

Submission:

Ambry Genetics
Classification: Uncertain significance. Last evaluated: 2021-12-10. Review status: criteria provided, single submitter. Criteria: Ambry Variant Classification Scheme 2023. Collection method: clinical testing. Allele origin: germline.
Comment: The p.L122Q variant (also known as c.365T>A), located in coding exon 2 of the MNDA gene, results from a T to A substitution at nucleotide position 365. The leucine at codon 122 is replaced by glutamine, an amino acid with dissimilar properties. This amino acid position is conserved. In addition, this alteration is predicted to be tolerated by in silico analysis. Since supporting evidence is limited at this time, the clinical significance of this alteration remains unclear.

NM_002432.3(MNDA):c.365T>A (p.Leu122Gln)

Gene: MNDA (myeloid cell nuclear differentiation antigen; plus strand). Cytogenetic location: 1q23.1.
Variant type: single nucleotide variant.
Coding change: c.365T>A on transcript NM_002432.3 (MANE Select); coding-DNA position 365, T replaced by A.
Protein change: p.Leu122Gln; replaces leucine 122 with glutamine.
Molecular consequence: missense variant.
Genome position (GRCh38, 1-based): chr1:158,843,378, T>A. VCF-style: chr1-158843378-T-A. GRCh37 (hg19) VCF-style: chr1-158813168-T-A.
Other names: short protein forms L122Q.
Identifiers: ClinVar variation 1733672 (VCV001733672.2), dbSNP rs2526079328, ClinGen allele CA343038725.